The following is an entry in ClinVar:

NM_006939.4(SOS2):c.700C>T (p.Leu234=)

Gene: SOS2 (SOS Ras/Rho guanine nucleotide exchange factor 2; minus strand). Cytogenetic location: 14q21.3.
Variant type: single nucleotide variant.
Coding change: c.700C>T on transcript NM_006939.4 (MANE Select); coding-DNA position 700, C replaced by T.
Protein change: p.Leu234=; no amino-acid change (leucine 234 retained).
Molecular consequence: synonymous variant.
Genome position (GRCh38, 1-based): chr14:50,188,511, G>A on the plus strand (C>T on the coding strand, the complement: SOS2 is on the minus strand). VCF-style: chr14-50188511-G-A. GRCh37 (hg19) VCF-style: chr14-50655229-G-A.
Other names: p.Leu234=; c.700C>T (NM_006939.3).
Identifiers: ClinVar variation 704032 (VCV000704032.18), dbSNP rs145848231, ClinGen allele CA7177474.

ClinVar aggregate classification (germline): Benign/Likely benign. Review status: criteria provided, multiple submitters, no conflicts (2 of 4 stars). 7 submissions from 7 submitters: Benign (5); Likely benign (2). Last evaluated 2026-01-31.

Conditions:
Noonan syndrome 9 (NS9). Identifiers: Orphanet 648, MedGen C4225282, MONDO:0014691, OMIM 616559.
Cardiovascular phenotype. Identifiers: MedGen CN230736.

Allele frequency attached by ClinVar (database versions not stated): gnomAD 0.00049 and 0.00053; TOPMed 0.00053; 1000 Genomes Project 30x 0.00062; ESP Exome Variant Server 0.00077; 1000 Genomes Project 0.00080.
gnomAD v4.1: 161 of 1,598,454 alleles (0.01%); highest among the groups gnomAD compares: African/African-American, 0.19%; 1 homozygote.

Submissions (7):

Labcorp Genetics (formerly Invitae), Labcorp
Classification: Benign for Noonan syndrome 9. Last evaluated: 2026-01-31. Review status: criteria provided, single submitter. Criteria: Invitae Variant Classification Sherloc (09022015). Collection method: clinical testing. Allele origin: germline.

Mayo Clinic Laboratories, Mayo Clinic
Classification: Likely benign. Last evaluated: 2025-05-21. Review status: criteria provided, single submitter. Criteria: ACMG Guidelines, 2015. Collection method: clinical testing. Allele origin: germline. Observed: 2 variant alleles.
Comment: BP4, BP7

Blueprint Genetics
Classification: Likely benign. Last evaluated: 2024-02-12. Review status: criteria provided, single submitter. Criteria: ACMG Guidelines, 2015. Collection method: clinical testing. Allele origin: germline.

Women's Health and Genetics/Laboratory Corporation of America, LabCorp
Classification: Benign. Last evaluated: 2022-11-19. Review status: criteria provided, single submitter. Criteria: LabCorp Variant Classification Summary - May 2015. Collection method: clinical testing. Allele origin: germline.

Ambry Genetics
Classification: Benign for Cardiovascular phenotype. Last evaluated: 2021-02-08. Review status: criteria provided, single submitter. Criteria: Ambry Variant Classification Scheme 2023. Collection method: clinical testing. Allele origin: germline.

GeneDx
Classification: Benign. Last evaluated: 2019-12-27. Review status: criteria provided, single submitter. Criteria: GeneDx Variant Classification Process June 2021. Collection method: clinical testing. Allele origin: germline. Affected: yes.

Genome-Nilou Lab
Classification: Benign for Noonan syndrome 9. Review status: criteria provided, single submitter. Criteria: ACMG Guidelines, 2015. Collection method: clinical testing. Allele origin: germline.